The following is an entry in ClinVar:

ClinVar aggregate classification (germline): Benign (0 of 4 stars; one submission).

Conditions:
FAM234B-related disorder. Also called: FAM234B-related condition.

Allele frequency attached by ClinVar (database versions not stated): gnomAD exomes 0.00029; ExAC 0.00095; ESP Exome Variant Server 0.00292; gnomAD 0.00320; 1000 Genomes Project 0.00339; TOPMed 0.00348; 1000 Genomes Project 30x 0.00359.
gnomAD v4.1: 924 of 1,614,222 alleles (0.057%); highest among the groups gnomAD compares: African/African-American, 1.1%; 4 homozygotes.

Submission:

PreventionGenetics, part of Exact Sciences
Classification: Benign for FAM234B-related condition. Last evaluated: 2019-05-24. Review status: no assertion criteria provided. Collection method: clinical testing. Allele origin: germline.
Comment: This variant is classified as benign based on ACMG/AMP sequence variant interpretation guidelines (Richards et al. 2015 PMID: 25741868, with internal and published modifications).

NM_020853.2(FAM234B):c.1590C>T (p.Pro530=)

Gene: FAM234B (family with sequence similarity 234 member B; plus strand). Cytogenetic location: 12p13.1.
Variant type: single nucleotide variant.
Coding change: c.1590C>T on transcript NM_020853.2 (MANE Select); coding-DNA position 1590, C replaced by T.
Protein change: p.Pro530=; no amino-acid change (proline 530 retained).
Molecular consequence: synonymous variant.
Genome position (GRCh38, 1-based): chr12:13,076,091, C>T. VCF-style: chr12-13076091-C-T. GRCh37 (hg19) VCF-style: chr12-13229025-C-T.
Identifiers: ClinVar variation 3038481 (VCV003038481.2), dbSNP rs112465303, ClinGen allele CA6459886.
Genomic context (GRCh38, chr12:13,076,091, plus strand): 5'-CATCCTAGGAACTGAGCCGCCCAGCCTTCACCACCTTTACCTCCTGCATCCTGCGTTCCC[C>T]TCCATCCTTCTGGATCTGGCCAACACCACCGGCACAGTGACGGCTTCAGAGGGTGAGTCC-3'
Protein context (NP_065904.1, residues 520-540): HHLYLLHPAF[Pro530=]SILLDLANTT